The following is an entry in ClinVar:

ClinVar aggregate classification (germline): Uncertain significance (1 of 4 stars; one submission).

gnomAD v4.1: 1 of 1,534,116 alleles (0.000065%); no homozygotes.

Submission:

GeneDx
Classification: Uncertain significance. Last evaluated: 2025-01-13. Review status: criteria provided, single submitter. Criteria: GeneDx Variant Classification Process June 2021. Collection method: clinical testing. Allele origin: germline.
Comment: Not observed at significant frequency in large population cohorts (gnomAD); In silico analysis supports that this missense variant does not alter protein structure/function; Has not been previously published as pathogenic or benign to our knowledge

NM_019066.5(MAGEL2):c.657G>A (p.Met219Ile)

Gene: MAGEL2 (MAGE family member L2; minus strand). Cytogenetic location: 15q11.2.
Variant type: single nucleotide variant.
Coding change: c.657G>A on transcript NM_019066.5 (MANE Select); coding-DNA position 657, G replaced by A.
Protein change: p.Met219Ile; replaces methionine 219 with isoleucine.
Molecular consequence: missense variant.
Genome position (GRCh38, 1-based): chr15:23,647,086, C>T on the plus strand (G>A on the coding strand, the complement: MAGEL2 is on the minus strand). VCF-style: chr15-23647086-C-T. GRCh37 (hg19) VCF-style: chr15-23892233-C-T.
Other names: short protein forms M219I.
Identifiers: ClinVar variation 2661950 (VCV002661950.2), dbSNP rs1890428533, ClinGen allele CA391336785.
Genomic context (GRCh38, chr15:23,647,086, plus strand): 5'-CATCAGGACTCCCGGAGCTGGAGGCTGGGCCATCGGTGTACCCGGAGGGGGAGGATGAGC[C>T]ATCGGTGTCCCCGGAGGTGGAGGATGAGCCATCGGTGTCCCCGGAGGGGGAGGATGAGCC-3'
Protein context (NP_061939.3, residues 209-229): MAHPPPPGTP[Met219Ile]AHPPPPGTPM